The following is an entry in ClinVar:

ClinVar aggregate classification (germline): Likely benign (1 of 4 stars; one submission).

gnomAD v4.1: 15 of 1,613,942 alleles (0.00093%); highest among the groups gnomAD compares: African/African-American, 0.004%; no homozygotes.

Submission:

CeGaT Center for Human Genetics Tuebingen
Classification: Likely benign. Last evaluated: 2025-05-01. Review status: criteria provided, single submitter. Criteria: CeGaT Center For Human Genetics Tuebingen Variant Classification Criteria Version 2. Collection method: clinical testing. Allele origin: germline. Affected: yes. Observed: 1 variant allele.
Comment: MAPKAPK5: BP4, BP7

NM_003668.4(MAPKAPK5):c.1002G>A (p.Ala334=)

Gene: MAPKAPK5 (MAPK activated protein kinase 5; plus strand). Cytogenetic location: 12q24.12.
Variant type: single nucleotide variant.
Coding change: c.1002G>A on transcript NM_003668.4 (MANE Select); coding-DNA position 1002, G replaced by A.
Protein change: p.Ala334=; no amino-acid change (alanine 334 retained).
Molecular consequence: synonymous variant.
Genome position (GRCh38, 1-based): chr12:111,888,520, G>A. VCF-style: chr12-111888520-G-A. GRCh37 (hg19) VCF-style: chr12-112326324-G-A.
Other names: c.1002G>A, p.Ala334= (NM_001371479.1, NM_001371480.1, NM_139078.3); c.921G>A, p.Ala307= (NM_001371481.1); c.912G>A, p.Ala304= (NM_001371482.1, NM_001371483.1); c.900G>A, p.Ala300= (NM_001371484.1); c.795G>A, p.Ala265= (NM_001371485.1, NM_001371486.1); c.705G>A, p.Ala235= (NM_001371487.1).
Identifiers: ClinVar variation 3905550 (VCV003905550.10).